The following is an entry in ClinVar:

NM_000334.4(SCN4A):c.3550G>A (p.Gly1184Ser)

Genes: GH-LCR (growth hormone locus control region; plus strand), SCN4A (sodium voltage-gated channel alpha subunit 4; minus strand). Cytogenetic location: 17q23.3.
Variant type: single nucleotide variant.
Coding change: c.3550G>A on transcript NM_000334.4 (MANE Select); coding-DNA position 3550, G replaced by A.
Protein change: p.Gly1184Ser; replaces glycine 1184 with serine.
Molecular consequence: missense variant.
Genome position (GRCh38, 1-based): chr17:63,945,530, C>T on the plus strand (G>A on the coding strand, the complement: SCN4A is on the minus strand). VCF-style: chr17-63945530-C-T. GRCh37 (hg19) VCF-style: chr17-62022890-C-T.
Other names: short protein forms G1184S.
Identifiers: ClinVar variation 4805330 (VCV004805330.1).
Genomic context (GRCh38, chr17:63,945,530, plus strand): 5'-TGACCTCGGAGATGTCGAACCTCTCAGAGGTGGTGGTGTTGATGCAGTAGTAGAACTTGC[C>T]GGCAAACAGGTTGACACCCATGATGCTGAAGATCAGCCAGAAGATGAGGCAGACAAGCAG-3'
Protein context (NP_000325.4, residues 1174-1194): FSIMGVNLFA[Gly1184Ser]KFYYCINTTT

ClinVar aggregate classification (germline): Uncertain significance (1 of 4 stars; one submission).

Conditions:
Hyperkalemic periodic paralysis. Also called: Familial hyperkalemic periodic paralysis; Gamstorp disease. Identifiers: Orphanet 682, MedGen C0238357, MONDO:0008224, OMIM 170500, HP:0007215.

gnomAD v4.1: 10 of 1,613,800 alleles (0.00062%); highest among the groups gnomAD compares: South Asian, 0.0033%; no homozygotes.

Submission:

Labcorp Genetics (formerly Invitae), Labcorp
Classification: Uncertain significance for Hyperkalemic periodic paralysis. Last evaluated: 2025-11-13. Review status: criteria provided, single submitter. Criteria: Invitae Variant Classification Sherloc (09022015). Collection method: clinical testing. Allele origin: germline.
Comment: This sequence change replaces glycine, which is neutral and non-polar, with serine, which is neutral and polar, at codon 1184 of the SCN4A protein (p.Gly1184Ser). This variant is present in population databases (rs775287099, gnomAD 0.004%). This variant has not been reported in the literature in individuals affected with SCN4A-related conditions. Invitae Evidence Modeling of protein sequence and biophysical properties (such as structural, functional, and spatial information, amino acid conservation, physicochemical variation, residue mobility, and thermodynamic stability) indicates that this missense variant is expected to disrupt SCN4A protein function with a positive predictive value of 95%. In summary, the available evidence is currently insufficient to determine the role of this variant in disease. Therefore, it has been classified as a Variant of Uncertain Significance.